The following is an entry in ClinVar:

NM_153700.2(STRC):c.4211dup (p.Arg1406fs)

Gene: STRC (stereocilin; minus strand). Cytogenetic location: 15q15.3.
Variant type: Duplication.
Coding change: c.4211dup on transcript NM_153700.2 (MANE Select); coding-DNA position 4211, one base duplicated (T; older notation c.4211dupT).
Protein change: p.Arg1406fs; shifts the reading frame from arginine 1406.
Molecular consequence: frameshift variant.
Genome position (GRCh38, 1-based): chr15:43,604,368, A duplicated on the plus strand (T on the coding strand, the reverse complement: STRC is on the minus strand). VCF-style (leftmost placement, unchanged base first): chr15-43604367-G-GA. GRCh37 (hg19) VCF-style: chr15-43896565-G-GA.
Other names: short protein forms R1406fs.
Identifiers: ClinVar variation 4849992 (VCV004849992.1).

ClinVar aggregate classification (germline): Likely pathogenic (1 of 4 stars; one submission).

Conditions:
Autosomal recessive nonsyndromic hearing loss 16. Also called: DEAFNESS, AUTOSOMAL RECESSIVE 16; DFNB16 Nonsyndromic Hearing Loss and Deafness. Identifiers: Orphanet 90636, MedGen C1863561, MONDO:0011364, OMIM 603720.

Submission:

Variantyx, Inc.
Classification: Likely pathogenic for Autosomal recessive nonsyndromic hearing loss 16. Last evaluated: 2025-10-16. Review status: criteria provided, single submitter. Criteria: Variantyx Assertion Criteria 2022. Collection method: clinical testing. Allele origin: germline. Inheritance: Autosomal recessive inheritance. Affected: no.
Comment: This is a frameshift variant in the STRC gene (OMIM: 606440). Pathogenic variants in this gene have been associated with autosomal recessive deafness 16. This variant introduces a premature termination codon in exon 21 out of 29 and is expected to result in loss of function, which is a known disease mechanism for STRC in this disorder (PVS1) (PMID:11687802). This variant has a 0.0051% maximum allele frequency in non-founder control populations (PM2). This variant has not been reported in individuals with STRC-related disorders in the databases available for review. Based on the current evidence, this variant is classified as likely pathogenic for autosomal recessive deafness 16.

Literature cited by the submitters: PubMed 11687802.